The following is an entry in ClinVar:

NM_013339.4(ALG6):c.495A>G (p.Gln165=)

Gene: ALG6 (ALG6 alpha-1,3-glucosyltransferase; plus strand). Cytogenetic location: 1p31.3.
Variant type: single nucleotide variant.
Coding change: c.495A>G on transcript NM_013339.4 (MANE Select); coding-DNA position 495, A replaced by G.
Protein change: p.Gln165=; no amino-acid change (glutamine 165 retained).
Molecular consequence: synonymous variant.
Genome position (GRCh38, 1-based): chr1:63,411,146, A>G. VCF-style: chr1-63411146-A-G. GRCh37 (hg19) VCF-style: chr1-63876817-A-G.
Other names: c.495A>G, p.Gln165= (LRG_1260t1).
Identifiers: ClinVar variation 297849 (VCV000297849.14), dbSNP rs886046471, ClinGen allele CA10610607.

ClinVar aggregate classification (germline): Uncertain significance. Review status: criteria provided, multiple submitters, no conflicts (2 of 4 stars). 3 submissions from 3 submitters: Uncertain significance (2). 1 of the submissions does not count toward it. Last evaluated 2023-05-30.

Conditions:
ALG6-congenital disorder of glycosylation 1C (CDG1C). Also called: CDG Ic; CARBOHYDRATE-DEFICIENT GLYCOPROTEIN SYNDROME, TYPE I, WITH DEFICIENT GLYCOSYLATION OF DOLICHOL-LINKED OLIGOSACCHARIDE; CARBOHYDRATE-DEFICIENT GLYCOPROTEIN SYNDROME, TYPE V; Congenital disorder of glycosylation type 1C; Congenital disorder of glycosylation, type Ic. Identifiers: Orphanet 79320, MedGen C2930997, MONDO:0011291, OMIM 603147.

Allele frequency attached by ClinVar (database versions not stated): gnomAD exomes below 0.00001 and 0.00001; gnomAD 0.00001.
gnomAD v4.1: 18 of 1,613,674 alleles (0.0011%); highest among the groups gnomAD compares: Middle Eastern, 0.033%; no homozygotes.

Submissions (3):

Labcorp Genetics (formerly Invitae), Labcorp
Classification: Uncertain significance for ALG6-congenital disorder of glycosylation 1C. Last evaluated: 2023-05-30. Review status: criteria provided, single submitter. Criteria: Invitae Variant Classification Sherloc (09022015). Collection method: clinical testing. Allele origin: germline.
Comment: In summary, the available evidence is currently insufficient to determine the role of this variant in disease. Therefore, it has been classified as a Variant of Uncertain Significance. Algorithms developed to predict the effect of sequence changes on RNA splicing suggest that this variant is not likely to affect RNA splicing. This sequence change affects codon 165 of the ALG6 mRNA. It is a 'silent' change, meaning that it does not change the encoded amino acid sequence of the ALG6 protein. It affects a nucleotide within the consensus splice site. This variant is present in population databases (no rsID available, gnomAD 0.0009%). This variant has not been reported in the literature in individuals affected with ALG6-related conditions. ClinVar contains an entry for this variant (Variation ID: 297849).

Illumina Laboratory Services, Illumina
Classification: Uncertain significance for ALG6-congenital disorder of glycosylation 1C. Last evaluated: 2018-01-13. Review status: criteria provided, single submitter. Criteria: ICSL Variant Classification Criteria 13 December 2019. Collection method: clinical testing. Allele origin: germline.

Counsyl
Classification: Likely benign for ALG6-congenital disorder of glycosylation 1C. Last evaluated: 2017-10-07. Review status: no assertion criteria provided. Collection method: clinical testing. Allele origin: unknown. Not counted in ClinVar's aggregate classification.